The following is an entry in ClinVar:

NM_001999.4(FBN2):c.3736T>G (p.Cys1246Gly)

Gene: FBN2 (fibrillin 2; minus strand). Cytogenetic location: 5q23.3.
Variant type: single nucleotide variant.
Coding change: c.3736T>G on transcript NM_001999.4 (MANE Select); coding-DNA position 3736, T replaced by G.
Protein change: p.Cys1246Gly; replaces cysteine 1246 with glycine.
Molecular consequence: missense variant.
Genome position (GRCh38, 1-based): chr5:128,335,566, A>C on the plus strand (T>G on the coding strand, the complement: FBN2 is on the minus strand). VCF-style: chr5-128335566-A-C. GRCh37 (hg19) VCF-style: chr5-127671258-A-C.
Other names: c.3736T>G (NM_001999.3); short protein forms C1246G.
Identifiers: ClinVar variation 1459134 (VCV001459134.8), dbSNP rs1554122857, ClinGen allele CA360758139.
Genomic context (GRCh38, chr5:128,335,566, plus strand): 5'-ATTCGTAGCTTCCCTCTGAATTTGTGCACTGGGTGTCACAGCCTCCGTTCATTATCATAC[A>C]TTCATCAATATCTGTGAAAACAGCATTGCAACCACATTGTCAGGTCTGCTTCCTTAAAAG-3'
Protein context (NP_001990.2, residues 1236-1256): DRQGCTDIDE[Cys1246Gly]MIMNGGCDTQ

ClinVar aggregate classification (germline): Pathogenic/Likely pathogenic. Review status: criteria provided, multiple submitters, no conflicts (2 of 4 stars). 2 submissions from 2 submitters: Pathogenic (1); Likely pathogenic (1). Last evaluated 2025-06-06.

Conditions:
Familial thoracic aortic aneurysm and aortic dissection (TAAD). Also called: Thoracic aortic aneurysms and dissections. Identifiers: Orphanet 91387, MedGen C4707243, MONDO:0019625.
Congenital contractural arachnodactyly (CCA). Also called: Arthrogryposis, distal, type 9; BEALS SYNDROME; Beals-Hecht syndrome. Identifiers: Orphanet 115, MedGen C0220668, MONDO:0007363, OMIM 121050.

Submissions (2):

Ambry Genetics
Classification: Likely pathogenic for Familial thoracic aortic aneurysm and aortic dissection. Last evaluated: 2025-06-06. Review status: criteria provided, single submitter. Criteria: Ambry Variant Classification Scheme 2023. Collection method: clinical testing. Allele origin: germline.
Comment: The p.C1246G variant (also known as c.3736T>G), located in coding exon 29 of the FBN2 gene, results from a T to G substitution at nucleotide position 3736. The cysteine at codon 1246 is replaced by glycine, an amino acid with highly dissimilar properties. This variant was reported in individual(s) with features consistent with congenital contractural arachnodactyly and segregated with disease features in at least one family (Paulson ML et al. Int. J. Tuberc. Lung Dis., 2012 Apr;16:561-3; Meerschaut I et al. Genet Med, 2020 Jan;22:124-131; Ambry internal data). In one study, 13 of 14 reported FBN2 mutations were found in the middle region of the gene (exons 24-36), and 7 of these mutations were noted to alter or produce a cysteine residue (Callewaert BL et al. Hum Mutat. 2009;30(3):334-341). Based on internal structural analysis, this alteration disrupts the formation of a structural disulfide bond in the EGF-like 19 domain (Ambry internal data). This variant is considered to be rare based on population cohorts in the Genome Aggregation Database (gnomAD). This amino acid position is highly conserved in available vertebrate species. In addition, this alteration is predicted to be deleterious by in silico analysis. Based on the majority of available evidence to date, this variant is likely to be pathogenic.

Labcorp Genetics (formerly Invitae), Labcorp
Classification: Pathogenic for Congenital contractural arachnodactyly. Last evaluated: 2021-11-15. Review status: criteria provided, single submitter. Criteria: Invitae Variant Classification Sherloc (09022015). Collection method: clinical testing. Allele origin: germline.
Comment: For these reasons, this variant has been classified as Pathogenic. This variant affects a cysteine residue located within an epidermal growth factor (EGF)–like domain of the FBN2 protein. Cysteine residues in these domains are involved in the formation of disulfide bridges critical for protein structure and stability (PMID: 3495735, 4750422, 16677079). In addition, missense substitutions within the FBN2 EGF-like domains affecting cysteine residues are overrepresented in patients with congenital contractural arachnodactyly (PMID: 18767143). Algorithms developed to predict the effect of sequence changes on RNA splicing suggest that this variant may create or strengthen a splice site. Advanced modeling of protein sequence and biophysical properties (such as structural, functional, and spatial information, amino acid conservation, physicochemical variation, residue mobility, and thermodynamic stability) performed at Invitae indicates that this missense variant is expected to disrupt FBN2 protein function. This missense change has been observed in individuals with clinical features of congenital contractural arachnodactyly (PMID: 22325249, 31316167; Invitae). This variant is not present in population databases (gnomAD no frequency). This sequence change replaces cysteine, which is neutral and slightly polar, with glycine, which is neutral and non-polar, at codon 1246 of the FBN2 protein (p.Cys1246Gly).

Literature cited by the submitters: PubMed 22325249 (cited by Ambry Genetics and Labcorp Genetics (formerly Invitae), Labcorp); PubMed 31316167 (cited by Ambry Genetics and Labcorp Genetics (formerly Invitae), Labcorp); PubMed 3495735 (cited by Labcorp Genetics (formerly Invitae), Labcorp); PubMed 4750422 (cited by Labcorp Genetics (formerly Invitae), Labcorp); PubMed 16677079 (cited by Labcorp Genetics (formerly Invitae), Labcorp); PubMed 18767143 (cited by Labcorp Genetics (formerly Invitae), Labcorp).